The following is an entry in ClinVar:

NM_007294.4(BRCA1):c.1444del (p.Ile482fs)

Gene: BRCA1 (BRCA1 DNA repair associated; minus strand). Cytogenetic location: 17q21.31.
Variant type: Deletion.
Coding change: c.1444del on transcript NM_007294.4 (MANE Select); coding-DNA position 1444, one base deleted (A; older notation c.1444delA).
Protein change: p.Ile482fs; shifts the reading frame from isoleucine 482.
Molecular consequence: frameshift variant. On other transcripts: intron variant (137).
Genome position (GRCh38, 1-based): chr17:43,094,087, T deleted on the plus strand (A on the coding strand, the reverse complement: BRCA1 is on the minus strand); the first of 2 consecutive T bases (chr17:43,094,087-43,094,088); deleting either gives the same sequence. VCF-style (leftmost placement, unchanged base first): chr17-43094086-AT-A. GRCh37 (hg19) VCF-style: chr17-41246103-AT-A.
Other names: 1563delA; c.1444delA (NM_007294.3); c.1231del, p.Ile411fs (NM_001407571.1, NM_001407853.1, NM_001407894.1 and 9 more transcripts); c.1444del, p.Ile482fs (NM_001407581.1, NM_001407582.1, NM_001407583.1 and 30 more transcripts); c.1441del, p.Ile481fs (NM_001407587.1, NM_001407590.1, NM_001407591.1 and 22 more transcripts); c.1435del, p.Ile479fs (NM_001407646.1, NM_001407647.1); c.1321del, p.Ile441fs (NM_001407648.1, NM_001407664.1, NM_001407665.1 and 19 more transcripts); c.1318del, p.Ile440fs (NM_001407649.1, NM_001407670.1, NM_001407671.1 and 11 more transcripts); and 42 more; short protein forms I482fs, I435fs, I393fs, I441fs, I481fs, I314fs, I371fs, I394fs.
Identifiers: ClinVar variation 54253 (VCV000054253.6), dbSNP rs80357648, ClinGen allele CA000968.

ClinVar aggregate classification (germline): Pathogenic. Review status: reviewed by expert panel (3 of 4 stars). 4 submissions from 4 submitters: Pathogenic (1). 3 of the submissions do not count toward it. Last evaluated 2016-09-08.

Conditions:
Hereditary cancer-predisposing syndrome. Also called: Tumor predisposition; Neoplastic Syndromes, Hereditary; Hereditary Cancer Syndrome; Hereditary neoplastic syndrome. Identifiers: Orphanet 140162, MedGen C0027672, MeSH D009386, MONDO:0015356.
Breast-ovarian cancer, familial, susceptibility to, 1 (BROVCA1). Also called: OVARIAN CANCER, SUSCEPTIBILITY TO; BRCA1 Hereditary Breast and Ovarian Cancer. Identifiers: Orphanet 145, MedGen C2676676, MONDO:0011450, OMIM 604370. Disease mechanism: loss of function.

Submissions (4):

Evidence-based Network for the Interpretation of Germline Mutant Alleles (ENIGMA)
Classification: Pathogenic for Breast-ovarian cancer, familial, susceptibility to, 1. Last evaluated: 2016-09-08. Review status: reviewed by expert panel. Criteria: ENIGMA BRCA1/2 Classification Criteria (2015). Collection method: curation. Allele origin: germline.
Comment: Variant allele predicted to encode a truncated non-functional protein.

Ambry Genetics
Classification: Pathogenic for Hereditary cancer-predisposing syndrome. Last evaluated: 2025-04-21. Review status: criteria provided, single submitter. Criteria: Ambry Variant Classification Scheme 2023. Collection method: clinical testing. Allele origin: germline. Not counted in ClinVar's aggregate classification.
Comment: The c.1444delA pathogenic mutation, located in coding exon 9 of the BRCA1 gene, results from a deletion of one nucleotide at nucleotide position 1444, causing a translational frameshift with a predicted alternate stop codon (p.I482Lfs*2). This variant is considered to be rare based on population cohorts in the Genome Aggregation Database (gnomAD). This alteration is expected to result in loss of function by premature protein truncation or nonsense-mediated mRNA decay. As such, this alteration is interpreted as a disease-causing mutation.

Consortium of Investigators of Modifiers of BRCA1/2 (CIMBA), c/o University of Cambridge
Classification: Pathogenic for Breast-ovarian cancer, familial, susceptibility to, 1. Last evaluated: 2015-10-02. Review status: criteria provided, single submitter. Criteria: CIMBA Mutation Classification guidelines May 2016. Collection method: clinical testing. Allele origin: germline. Not counted in ClinVar's aggregate classification.

Breast Cancer Information Core (BIC) (BRCA1)
Classification: Pathogenic for Breast-ovarian cancer, familial 1. Last evaluated: 2004-02-20. Review status: no assertion criteria provided. Collection method: clinical testing. Allele origin: germline. Affected: yes. Observed: 1 variant allele. Not counted in ClinVar's aggregate classification.